The following is an entry in ClinVar:

NM_015335.5(MED13L):c.5462A>G (p.Gln1821Arg)

Gene: MED13L (mediator complex subunit 13L; minus strand). Cytogenetic location: 12q24.21.
Variant type: single nucleotide variant.
Coding change: c.5462A>G on transcript NM_015335.5 (MANE Select); coding-DNA position 5462, A replaced by G.
Protein change: p.Gln1821Arg; replaces glutamine 1821 with arginine.
Molecular consequence: missense variant.
Genome position (GRCh38, 1-based): chr12:115,975,641, T>C on the plus strand (A>G on the coding strand, the complement: MED13L is on the minus strand). VCF-style: chr12-115975641-T-C. GRCh37 (hg19) VCF-style: chr12-116413446-T-C.
Other names: short protein forms Q1821R.
Identifiers: ClinVar variation 1695736 (VCV001695736.2), dbSNP rs1876884436, ClinGen allele CA386879280.

ClinVar aggregate classification (germline): Uncertain significance (1 of 4 stars; one submission).

Allele frequency attached by ClinVar (database versions not stated): gnomAD 0.00001.
gnomAD v4.1: 1 of 1,614,028 alleles (0.000062%); highest among the groups gnomAD compares: Non-Finnish European, 0.000085%; no homozygotes.

Submission:

GeneDx
Classification: Uncertain significance. Last evaluated: 2022-01-06. Review status: criteria provided, single submitter. Criteria: GeneDx Variant Classification Process June 2021. Collection method: clinical testing. Allele origin: germline. Affected: yes.
Comment: Not observed at significant frequency in large population cohorts (gnomAD); In silico analysis supports that this missense variant has a deleterious effect on protein structure/function; Has not been previously published as pathogenic or benign to our knowledge